The following is an entry in ClinVar:

ClinVar aggregate classification (germline): Uncertain significance (1 of 4 stars; one submission).

Allele frequency attached by ClinVar (database versions not stated): gnomAD exomes below 0.00001; ExAC 0.00001.
gnomAD v4.1: 5 of 1,614,056 alleles (0.00031%); highest among the groups gnomAD compares: Non-Finnish European, 0.00042%; no homozygotes.

Submission:

Labcorp Genetics (formerly Invitae), Labcorp
Classification: Uncertain significance. Last evaluated: 2022-07-12. Review status: criteria provided, single submitter. Criteria: Invitae Variant Classification Sherloc (09022015). Collection method: clinical testing. Allele origin: germline.
Comment: This sequence change replaces glutamic acid, which is acidic and polar, with lysine, which is basic and polar, at codon 3711 of the LRP2 protein (p.Glu3711Lys). This variant is present in population databases (rs757279955, gnomAD 0.0009%). This variant has not been reported in the literature in individuals affected with LRP2-related conditions. Advanced modeling of protein sequence and biophysical properties (such as structural, functional, and spatial information, amino acid conservation, physicochemical variation, residue mobility, and thermodynamic stability) performed at Invitae indicates that this missense variant is expected to disrupt LRP2 protein function. In summary, the available evidence is currently insufficient to determine the role of this variant in disease. Therefore, it has been classified as a Variant of Uncertain Significance.

NM_004525.3(LRP2):c.11131G>A (p.Glu3711Lys)

Gene: LRP2 (LDL receptor related protein 2; minus strand). Cytogenetic location: 2q31.1.
Variant type: single nucleotide variant.
Coding change: c.11131G>A on transcript NM_004525.3 (MANE Select); coding-DNA position 11131, G replaced by A.
Protein change: p.Glu3711Lys; replaces glutamic acid 3711 with lysine.
Molecular consequence: missense variant.
Genome position (GRCh38, 1-based): chr2:169,173,108, C>T on the plus strand (G>A on the coding strand, the complement: LRP2 is on the minus strand). VCF-style: chr2-169173108-C-T. GRCh37 (hg19) VCF-style: chr2-170029618-C-T.
Other names: short protein forms E3711K.
Identifiers: ClinVar variation 1950425 (VCV001950425.2), dbSNP rs757279955, ClinGen allele CA1953169.